The following is an entry in ClinVar:

NM_013266.4(CTNNA3):c.181T>C (p.Ser61Pro)

Gene: CTNNA3 (catenin alpha 3; minus strand). Cytogenetic location: 10q21.3.
Variant type: single nucleotide variant.
Coding change: c.181T>C on transcript NM_013266.4 (MANE Select); coding-DNA position 181, T replaced by C.
Protein change: p.Ser61Pro; replaces serine 61 with proline.
Molecular consequence: missense variant.
Genome position (GRCh38, 1-based): chr10:67,606,968, A>G on the plus strand (T>C on the coding strand, the complement: CTNNA3 is on the minus strand). VCF-style: chr10-67606968-A-G. GRCh37 (hg19) VCF-style: chr10-69366726-A-G.
Other names: c.181T>C, p.Ser61Pro (NM_001127384.3); c.217T>C, p.Ser73Pro (NM_001291133.2); short protein forms S61P, S73P.
Identifiers: ClinVar variation 1000643 (VCV001000643.8), dbSNP rs1843298119, ClinGen allele CA377098308.

ClinVar aggregate classification (germline): Uncertain significance (1 of 4 stars; one submission).

Conditions:
Arrhythmogenic right ventricular dysplasia 13. Also called: ARRHYTHMOGENIC RIGHT VENTRICULAR CARDIOMYOPATHY 13; Arrhythmogenic right ventricular dysplasia, familial, 13. Identifiers: MedGen C3810138, MONDO:0000908, OMIM 615616.

Submission:

Labcorp Genetics (formerly Invitae), Labcorp
Classification: Uncertain significance for Arrhythmogenic right ventricular dysplasia 13. Last evaluated: 2021-07-09. Review status: criteria provided, single submitter. Criteria: Invitae Variant Classification Sherloc (09022015). Collection method: clinical testing. Allele origin: germline.
Comment: This sequence change replaces serine with proline at codon 61 of the CTNNA3 protein (p.Ser61Pro). The serine residue is moderately conserved and there is a moderate physicochemical difference between serine and proline. This variant is not present in population databases (ExAC no frequency). This variant has not been reported in the literature in individuals with CTNNA3-related conditions. Algorithms developed to predict the effect of missense changes on protein structure and function are either unavailable or do not agree on the potential impact of this missense change (SIFT: "Deleterious"; PolyPhen-2: "Possibly Damaging"; Align-GVGD: "Class C0"). In summary, the available evidence is currently insufficient to determine the role of this variant in disease. Therefore, it has been classified as a Variant of Uncertain Significance.